The following is an entry in ClinVar:

ClinVar aggregate classification (germline): Likely benign (1 of 4 stars; one submission).

Allele frequency attached by ClinVar (database versions not stated): 1000 Genomes Project 0.00080.

Submission:

CeGaT Center for Human Genetics Tuebingen
Classification: Likely benign. Last evaluated: 2024-12-01. Review status: criteria provided, single submitter. Criteria: CeGaT Center For Human Genetics Tuebingen Variant Classification Criteria Version 2. Collection method: clinical testing. Allele origin: germline. Affected: yes. Observed: 2 variant alleles.
Comment: NEFH: PM2:Supporting, BP4, BP7

NM_021076.4(NEFH):c.2157T>A (p.Pro719=)

Gene: NEFH (neurofilament heavy chain; plus strand). Cytogenetic location: 22q12.2.
Variant type: single nucleotide variant.
Coding change: c.2157T>A on transcript NM_021076.4 (MANE Select); coding-DNA position 2157, T replaced by A.
Protein change: p.Pro719=; no amino-acid change (proline 719 retained).
Molecular consequence: synonymous variant.
Genome position (GRCh38, 1-based): chr22:29,489,797, T>A. VCF-style: chr22-29489797-T-A. GRCh37 (hg19) VCF-style: chr22-29885786-T-A.
Identifiers: ClinVar variation 3024689 (VCV003024689.22), dbSNP rs552385741, ClinGen allele CA323088577.
Genomic context (GRCh38, chr22:29,489,797, plus strand): 5'-GGAAGAAGCAAAGTCCCCTGAGAAGGCCAAGTCCCCAGTGAAGGAAGAAGCAAAGTCCCC[T>A]GAGAAGGCCAAGTCCCCAGTGAAGGAAGAAGCAAAGACCCCCGAGAAGGCCAAGTCCCCA-3'
Protein context (NP_066554.2, residues 709-729): KSPVKEEAKS[Pro719=]EKAKSPVKEE